The following is an entry in ClinVar:

ClinVar aggregate classification (germline): Uncertain significance (1 of 4 stars; one submission).

Conditions:
Myofibrillar myopathy 5. Also called: Filaminopathy (type); FILAMINOPATHY, AUTOSOMAL DOMINANT. Identifiers: Orphanet 171445, MedGen C1836050, MONDO:0012289, OMIM 609524.
Distal myopathy with posterior leg and anterior hand involvement. Also called: WILLIAMS DISTAL MYOPATHY. Identifiers: Orphanet 63273, MedGen C3279722, MONDO:0013550, OMIM 614065.
Hypertrophic cardiomyopathy 26. Also called: Cardiomyopathy, familial hypertrophic, 26. Identifiers: Orphanet 75249, MedGen C4310749, MONDO:0014883, OMIM 617047.

Allele frequency attached by ClinVar (database versions not stated): TOPMed below 0.00001; gnomAD 0.00001.
gnomAD v4.1: 1 of 1,613,716 alleles (0.000062%); highest among the groups gnomAD compares: Non-Finnish European, 0.000085%; no homozygotes.

Submission:

Labcorp Genetics (formerly Invitae), Labcorp
Classification: Uncertain significance for Distal myopathy with posterior leg and anterior hand involvement; Myofibrillar myopathy 5; Hypertrophic cardiomyopathy 26. Last evaluated: 2023-07-24. Review status: criteria provided, single submitter. Criteria: Invitae Variant Classification Sherloc (09022015). Collection method: clinical testing. Allele origin: germline.
Comment: This sequence change replaces proline, which is neutral and non-polar, with leucine, which is neutral and non-polar, at codon 952 of the FLNC protein (p.Pro952Leu). This variant is not present in population databases (gnomAD no frequency). This variant has not been reported in the literature in individuals affected with FLNC-related conditions. Advanced modeling of protein sequence and biophysical properties (such as structural, functional, and spatial information, amino acid conservation, physicochemical variation, residue mobility, and thermodynamic stability) has been performed at Invitae for this missense variant, however the output from this modeling did not meet the statistical confidence thresholds required to predict the impact of this variant on FLNC protein function. In summary, the available evidence is currently insufficient to determine the role of this variant in disease. Therefore, it has been classified as a Variant of Uncertain Significance.

NM_001458.5(FLNC):c.2855C>T (p.Pro952Leu)

Gene: FLNC (filamin C; plus strand). Cytogenetic location: 7q32.1.
Variant type: single nucleotide variant.
Coding change: c.2855C>T on transcript NM_001458.5 (MANE Select); coding-DNA position 2855, C replaced by T.
Protein change: p.Pro952Leu; replaces proline 952 with leucine.
Molecular consequence: missense variant.
Genome position (GRCh38, 1-based): chr7:128,843,839, C>T. VCF-style: chr7-128843839-C-T. GRCh37 (hg19) VCF-style: chr7-128483893-C-T.
Other names: c.2855C>T, p.Pro952Leu (NM_001127487.2); short protein forms P952L.
Identifiers: ClinVar variation 2936116 (VCV002936116.3), dbSNP rs986779150, ClinGen allele CA166177092.